The following is an entry in ClinVar:

NM_001009944.3(PKD1):c.9142C>T (p.Leu3048Phe)

Gene: PKD1 (polycystin 1, transient receptor potential channel interacting; minus strand). Cytogenetic location: 16p13.3.
Variant type: single nucleotide variant.
Coding change: c.9142C>T on transcript NM_001009944.3 (MANE Select); coding-DNA position 9142, C replaced by T.
Protein change: p.Leu3048Phe; replaces leucine 3048 with phenylalanine.
Molecular consequence: missense variant.
Genome position (GRCh38, 1-based): chr16:2,102,440, G>A on the plus strand (C>T on the coding strand, the complement: PKD1 is on the minus strand). VCF-style: chr16-2102440-G-A. GRCh37 (hg19) VCF-style: chr16-2152441-G-A.
Other names: c.9142C>T, p.Leu3048Phe (NM_000296.4); short protein forms L3048F.
Identifiers: ClinVar variation 2499240 (VCV002499240.2), dbSNP rs1253909708, ClinGen allele CA394358838.

ClinVar aggregate classification (germline): Uncertain significance. Review status: criteria provided, multiple submitters, no conflicts (2 of 4 stars). 2 submissions from 2 submitters: Uncertain significance (2). Last evaluated 2024-04-18.

Conditions:
Polycystic kidney disease, adult type (PKD1). Also called: Polycystic Kidney Disease 1, Autosomal Dominant; Polycystic kidney disease 1; Polycystic kidney disease 1, severe; Polycystic Kidney, Autosomal Dominant; POLYCYSTIC KIDNEY DISEASE, ADULT, TYPE I; POLYCYSTIC KIDNEY DISEASE 1 WITH OR WITHOUT POLYCYSTIC LIVER DISEASE. Identifiers: MedGen C3149841, MONDO:0008263, OMIM 173900.

Allele frequency attached by ClinVar (database versions not stated): gnomAD exomes below 0.00001; TOPMed below 0.00001; gnomAD 0.00001.
gnomAD v4.1: 3 of 1,551,854 alleles (0.00019%); highest among the groups gnomAD compares: African/African-American, 0.0041%; no homozygotes.

Submissions (2):

Fulgent Genetics
Classification: Uncertain significance for Polycystic kidney disease, adult type. Last evaluated: 2024-04-18. Review status: criteria provided, single submitter. Criteria: ACMG Guidelines, 2015. Collection method: clinical testing. Allele origin: germline.

GeneDx
Classification: Uncertain significance. Last evaluated: 2022-10-17. Review status: criteria provided, single submitter. Criteria: GeneDx Variant Classification Process June 2021. Collection method: clinical testing. Allele origin: germline. Affected: yes.
Comment: Not observed at significant frequency in large population cohorts (gnomAD); In silico analysis supports that this missense variant has a deleterious effect on protein structure/function; Has not been previously published as pathogenic or benign to our knowledge